The following is an entry in ClinVar:

ClinVar aggregate classification (germline): Likely benign (0 of 4 stars; one submission).

Conditions:
CDKL5-related disorder.

Allele frequency attached by ClinVar (database versions not stated): TOPMed below 0.00001; gnomAD exomes 0.00001; ExAC 0.00002.
gnomAD v4.1: 7 of 1,182,320 alleles (0.00059%); highest among the groups gnomAD compares: African/African-American, 0.0017%; no homozygotes.

Submission:

PreventionGenetics, part of Exact Sciences
Classification: Likely benign for CDKL5-related condition. Last evaluated: 2019-09-25. Review status: no assertion criteria provided. Collection method: clinical testing. Allele origin: germline.
Comment: This variant is classified as likely benign based on ACMG/AMP sequence variant interpretation guidelines (Richards et al. 2015 PMID: 25741868, with internal and published modifications).

NM_001323289.2(CDKL5):c.-7T>G

Gene: CDKL5 (cyclin dependent kinase like 5; plus strand). Cytogenetic location: Xp22.13.
Variant type: single nucleotide variant.
Coding change: c.-7T>G on transcript NM_001323289.2 (MANE Select); 7 bases upstream of the start codon, T replaced by G.
Molecular consequence: 5 prime UTR variant.
Genome position (GRCh38, 1-based): chrX:18,507,090, T>G. VCF-style: chrX-18507090-T-G. GRCh37 (hg19) VCF-style: chrX-18525210-T-G.
Other names: c.-7T>G (NM_001037343.2, NM_003159.3).
Identifiers: ClinVar variation 3039544 (VCV003039544.2), dbSNP rs780970781, ClinGen allele CA10360166.
Genomic context (GRCh38, chrX:18,507,090, plus strand): 5'-ACAGCTTTCTGAGAAGTTCTTTTGGTGCCATGTTTTGTGGCTTGCATCAAAAGAGGAGTT[T>G]GTCTTCATGAAGATTCCTAACATTGGTAATGTGATGAATAAATTTGAGATCCTTGGGGTT-3'